The following is an entry in ClinVar:

NM_004370.6(COL12A1):c.2744A>T (p.Asp915Val)

Gene: COL12A1 (collagen type XII alpha 1 chain; minus strand). Cytogenetic location: 6q13.
Variant type: single nucleotide variant.
Coding change: c.2744A>T on transcript NM_004370.6 (MANE Select); coding-DNA position 2744, A replaced by T.
Protein change: p.Asp915Val; replaces aspartic acid 915 with valine.
Molecular consequence: missense variant. On other transcripts: intron variant (1).
Genome position (GRCh38, 1-based): chr6:75,165,746, T>A on the plus strand (A>T on the coding strand, the complement: COL12A1 is on the minus strand). VCF-style: chr6-75165746-T-A. GRCh37 (hg19) VCF-style: chr6-75875462-T-A.
Other names: c.74-13264A>T (NM_080645.3); short protein forms D915V.
Identifiers: ClinVar variation 1044780 (VCV001044780.9), dbSNP rs774904567, ClinGen allele CA3893882.

ClinVar aggregate classification (germline): Uncertain significance (1 of 4 stars; one submission).

Conditions:
Ullrich congenital muscular dystrophy 2 (UCMD2). Identifiers: Orphanet 75840, MedGen C4225314, MONDO:0014654, OMIM 616470.
Bethlem myopathy 2 (BTHLM2). Identifiers: Orphanet 536516, Orphanet 610, MedGen C4225313, MONDO:0034022, OMIM 616471.

Allele frequency attached by ClinVar (database versions not stated): gnomAD exomes below 0.00001 and 0.00001; ExAC 0.00002.
gnomAD v4.1: 2 of 1,613,932 alleles (0.00012%); highest among the groups gnomAD compares: Non-Finnish European, 0.00017%; no homozygotes.

Submission:

Labcorp Genetics (formerly Invitae), Labcorp
Classification: Uncertain significance for Bethlem myopathy 2; Ullrich congenital muscular dystrophy 2. Last evaluated: 2024-01-13. Review status: criteria provided, single submitter. Criteria: Invitae Variant Classification Sherloc (09022015). Collection method: clinical testing. Allele origin: germline.
Comment: This sequence change replaces aspartic acid, which is acidic and polar, with valine, which is neutral and non-polar, at codon 915 of the COL12A1 protein (p.Asp915Val). This variant is present in population databases (rs774904567, gnomAD 0.002%). This variant has not been reported in the literature in individuals affected with COL12A1-related conditions. ClinVar contains an entry for this variant (Variation ID: 1044780). Advanced modeling of protein sequence and biophysical properties (such as structural, functional, and spatial information, amino acid conservation, physicochemical variation, residue mobility, and thermodynamic stability) performed at Invitae indicates that this missense variant is not expected to disrupt COL12A1 protein function with a negative predictive value of 80%. In summary, the available evidence is currently insufficient to determine the role of this variant in disease. Therefore, it has been classified as a Variant of Uncertain Significance.